The following is an entry in ClinVar:

NM_017617.5(NOTCH1):c.1663A>C (p.Thr555Pro)

Gene: NOTCH1 (notch receptor 1; minus strand). Cytogenetic location: 9q34.3.
Variant type: single nucleotide variant.
Coding change: c.1663A>C on transcript NM_017617.5 (MANE Select); coding-DNA position 1663, A replaced by C.
Protein change: p.Thr555Pro; replaces threonine 555 with proline.
Molecular consequence: missense variant.
Genome position (GRCh38, 1-based): chr9:136,515,987, T>G on the plus strand (A>C on the coding strand, the complement: NOTCH1 is on the minus strand). VCF-style: chr9-136515987-T-G. GRCh37 (hg19) VCF-style: chr9-139410439-T-G.
Other names: short protein forms T555P.
Identifiers: ClinVar variation 3666269 (VCV003666269.3).

ClinVar aggregate classification (germline): Uncertain significance. Review status: criteria provided, multiple submitters, no conflicts (2 of 4 stars). 2 submissions from 2 submitters: Uncertain significance (2). Last evaluated 2024-11-17.

Conditions:
Adams-Oliver syndrome 5 (AOS5). Identifiers: Orphanet 974, MedGen C4014970, MONDO:0014459, OMIM 616028.

gnomAD v4.1: 5 of 1,610,246 alleles (0.00031%); highest among the groups gnomAD compares: Non-Finnish European, 0.00042%; no homozygotes.

Submissions (2):

Labcorp Genetics (formerly Invitae), Labcorp
Classification: Uncertain significance for Adams-Oliver syndrome 5. Last evaluated: 2024-11-17. Review status: criteria provided, single submitter. Criteria: Invitae Variant Classification Sherloc (09022015). Collection method: clinical testing. Allele origin: germline.
Comment: This sequence change replaces threonine, which is neutral and polar, with proline, which is neutral and non-polar, at codon 555 of the NOTCH1 protein (p.Thr555Pro). This variant is not present in population databases (gnomAD no frequency). This variant has not been reported in the literature in individuals affected with NOTCH1-related conditions. Invitae Evidence Modeling of protein sequence and biophysical properties (such as structural, functional, and spatial information, amino acid conservation, physicochemical variation, residue mobility, and thermodynamic stability) indicates that this missense variant is not expected to disrupt NOTCH1 protein function with a negative predictive value of 80%. In summary, the available evidence is currently insufficient to determine the role of this variant in disease. Therefore, it has been classified as a Variant of Uncertain Significance.

Blueprint Genetics
Classification: Uncertain significance. Last evaluated: 2021-03-11. Review status: criteria provided, single submitter. Criteria: ACMG Guidelines, 2015. Collection method: clinical testing. Allele origin: germline.